The following is an entry in ClinVar:

ClinVar aggregate classification (germline): Likely pathogenic (1 of 4 stars; one submission).

Submission:

GeneDx
Classification: Likely pathogenic. Last evaluated: 2021-08-29. Review status: criteria provided, single submitter. Criteria: GeneDx Variant Classification Process June 2021. Collection method: clinical testing. Allele origin: germline. Affected: yes.
Comment: Nonsense variant in the C-terminus predicted to result in protein truncation, as the last 175 amino acids are lost, and other loss-of-function variants have been reported downstream in the Human Gene Mutation Database (Stenson et al., 2014); Not observed at significant frequency in large population cohorts (Lek et al., 2016); Has not been previously published as pathogenic or benign to our knowledge

NM_000168.6(GLI3):c.4217C>G (p.Ser1406Ter)

Gene: GLI3 (GLI family zinc finger 3; minus strand). Cytogenetic location: 7p14.1.
Variant type: single nucleotide variant.
Coding change: c.4217C>G on transcript NM_000168.6 (MANE Select); coding-DNA position 4217, C replaced by G.
Protein change: p.Ser1406Ter; replaces serine 1406 with a stop codon.
Molecular consequence: nonsense.
Genome position (GRCh38, 1-based): chr7:41,964,856, G>C on the plus strand (C>G on the coding strand, the complement: GLI3 is on the minus strand). VCF-style: chr7-41964856-G-C. GRCh37 (hg19) VCF-style: chr7-42004454-G-C.
Other names: short protein forms S1406*.
Identifiers: ClinVar variation 1253870 (VCV001253870.2), dbSNP rs2128705002, ClinGen allele CA367315514.